The following is an entry in ClinVar:

ClinVar aggregate classification (germline): Uncertain significance. Review status: criteria provided, multiple submitters, no conflicts (2 of 4 stars). 2 submissions from 2 submitters: Uncertain significance (2). Last evaluated 2025-01-15.

Conditions:
Nephronophthisis. Also called: Juvenile Nephronophthisis. Identifiers: Orphanet 655, MedGen C0687120, MONDO:0019005, HP:0000090.

Allele frequency attached by ClinVar (database versions not stated): ExAC 0.00001; gnomAD exomes 0.00001; TOPMed 0.00002.
gnomAD v4.1: 17 of 1,613,608 alleles (0.0011%); highest among the groups gnomAD compares: East Asian, 0.0045%; no homozygotes.

Submissions (2):

Labcorp Genetics (formerly Invitae), Labcorp
Classification: Uncertain significance for Nephronophthisis. Last evaluated: 2025-01-15. Review status: criteria provided, single submitter. Criteria: Invitae Variant Classification Sherloc (09022015). Collection method: clinical testing. Allele origin: germline.
Comment: This sequence change replaces arginine, which is basic and polar, with glutamine, which is neutral and polar, at codon 1255 of the NPHP3 protein (p.Arg1255Gln). This variant is present in population databases (rs771022777, gnomAD 0.0009%). This variant has not been reported in the literature in individuals affected with NPHP3-related conditions. ClinVar contains an entry for this variant (Variation ID: 1706110). Invitae Evidence Modeling of protein sequence and biophysical properties (such as structural, functional, and spatial information, amino acid conservation, physicochemical variation, residue mobility, and thermodynamic stability) indicates that this missense variant is not expected to disrupt NPHP3 protein function with a negative predictive value of 80%. In summary, the available evidence is currently insufficient to determine the role of this variant in disease. Therefore, it has been classified as a Variant of Uncertain Significance.

GeneDx
Classification: Uncertain significance. Last evaluated: 2022-03-15. Review status: criteria provided, single submitter. Criteria: GeneDx Variant Classification Process June 2021. Collection method: clinical testing. Allele origin: germline. Affected: yes.
Comment: Not observed at significant frequency in large population cohorts (gnomAD); In silico analysis supports that this missense variant does not alter protein structure/function; Has not been previously published as pathogenic or benign to our knowledge

NM_153240.5(NPHP3):c.3764G>A (p.Arg1255Gln)

Genes: NPHP3 (nephrocystin 3; minus strand), NPHP3-ACAD11 (NPHP3-ACAD11 readthrough (NMD candidate); minus strand). Cytogenetic location: 3q22.1.
Variant type: single nucleotide variant.
Coding change: c.3764G>A on transcript NM_153240.5 (MANE Select); coding-DNA position 3764, G replaced by A.
Protein change: p.Arg1255Gln; replaces arginine 1255 with glutamine.
Molecular consequence: missense variant. On other transcripts: non-coding transcript variant (1).
Genome position (GRCh38, 1-based): chr3:132,682,751, C>T on the plus strand (G>A on the coding strand, the complement: NPHP3 is on the minus strand). VCF-style: chr3-132682751-C-T. GRCh37 (hg19) VCF-style: chr3-132401595-C-T.
Other names: short protein forms R1255Q.
Identifiers: ClinVar variation 1706110 (VCV001706110.6), dbSNP rs771022777, ClinGen allele CA2621650.